The following is an entry in ClinVar:

NM_001042492.3(NF1):c.2603_2604dup (p.Pro869fs)

Gene: NF1 (neurofibromin 1; plus strand). Cytogenetic location: 17q11.2.
Variant type: Duplication.
Coding change: c.2603_2604dup on transcript NM_001042492.3 (MANE Select); coding-DNA positions 2603 to 2604, 2 bases duplicated (GT; older notation c.2603_2604dupGT).
Protein change: p.Pro869fs; shifts the reading frame from proline 869.
Molecular consequence: frameshift variant.
Genome position (GRCh38, 1-based): chr17:31,229,218-31,229,219, GT duplicated. VCF-style (leftmost placement, unchanged base first): chr17-31229217-G-GGT. GRCh37 (hg19) VCF-style: chr17-29556235-G-GGT.
Other names: c.2603_2604dup, p.Pro869Valfs (NM_000267.4); short protein forms P869fs.
Identifiers: ClinVar variation 3382254 (VCV003382254.2).

ClinVar aggregate classification (germline): Pathogenic (1 of 4 stars; one submission).

Conditions:
Neurofibromatosis, familial spinal (FSNF). Identifiers: Orphanet 636, MedGen C1834235, MONDO:0008078, OMIM 162210. Disease mechanism: loss of function.
Neurofibromatosis-Noonan syndrome (NFNS). Also called: NEUROFIBROMATOSIS WITH NOONAN PHENOTYPE. Identifiers: Orphanet 638, MedGen C2931482, MONDO:0011035, OMIM 601321. Disease mechanism: loss of function.
Neurofibromatosis, type 1 (NF1). Also called: Neurofibromatosis, type I; VON RECKLINGHAUSEN DISEASE; NEUROFIBROMATOSIS, TYPE I, SOMATIC; Peripheral type neurofibromatosis. Identifiers: Orphanet 636, MedGen C0027831, MONDO:0018975, OMIM 162200. Disease mechanism: loss of function.
Café-au-lait macules with pulmonary stenosis (WTSN). Also called: PULMONIC STENOSIS WITH CAFE-AU-LAIT SPOTS. Identifiers: MedGen C0553586, MONDO:0008672, OMIM 193520.
Juvenile myelomonocytic leukemia (JMML). Also called: LEUKEMIA, JUVENILE MYELOMONOCYTIC, SOMATIC. Identifiers: Orphanet 86834, MedGen C0349639, MONDO:0011908, OMIM 607785, HP:0012209.

Submission:

Juno Genomics, Hangzhou Juno Genomics, Inc
Classification: Pathogenic for Neurofibromatosis, type 1; Juvenile myelomonocytic leukemia; Neurofibromatosis, familial spinal; Neurofibromatosis-Noonan syndrome; Café-au-lait macules with pulmonary stenosis. Review status: criteria provided, single submitter. Criteria: ACMG Guidelines, 2015. Collection method: clinical testing. Allele origin: germline. Affected: yes.
Comment: Absent from controls (or at extremely low frequency if recessive) in Genome Aggregation Database, Exome Sequencing Project, 1000 Genomes Project, or Exome Aggregation Consortium.;Null variant in a gene where loss of function (LOF) is a known mechanism of disease.;De novo (both maternity and paternity confirmed) in a patient with the disease and no family history.;Patient's phenotype or family history is highly specific for a disease with a single genetic etiology.